The following is an entry in ClinVar:

ClinVar aggregate classification (germline): Uncertain significance (1 of 4 stars; one submission).

Allele frequency attached by ClinVar (database versions not stated): gnomAD exomes below 0.00001; TOPMed 0.00003.
gnomAD v4.1: 3 of 1,614,066 alleles (0.00019%); highest among the groups gnomAD compares: African/African-American, 0.004%; no homozygotes.

Submission:

Women's Health and Genetics/Laboratory Corporation of America, LabCorp
Classification: Uncertain significance. Last evaluated: 2024-03-29. Review status: criteria provided, single submitter. Criteria: LabCorp Variant Classification Summary - May 2015. Collection method: clinical testing. Allele origin: germline.
Comment: Variant summary: SPTBN1 c.4652T>C (p.Ile1551Thr) results in a non-conservative amino acid change located in the Spectrin repeat (IPR002017) of the encoded protein sequence. Three of five in-silico tools predict a damaging effect of the variant on protein function. The variant allele was found at a frequency of 4e-06 in 251360 control chromosomes. The available data on variant occurrences in the general population are insufficient to allow any conclusion about variant significance. To our knowledge, no occurrence of c.4652T>C in individuals affected with Developmental Delay, Impaired Speech, And Behavioral Abnormalities and no experimental evidence demonstrating its impact on protein function have been reported. No submitters have cited clinical-significance assessments for this variant to ClinVar. Based on the evidence outlined above, the variant was classified as uncertain significance.

NM_003128.3(SPTBN1):c.4652T>C (p.Ile1551Thr)

Gene: SPTBN1 (spectrin beta, non-erythrocytic 1; plus strand). Cytogenetic location: 2p16.2.
Variant type: single nucleotide variant.
Coding change: c.4652T>C on transcript NM_003128.3 (MANE Select); coding-DNA position 4652, T replaced by C.
Protein change: p.Ile1551Thr; replaces isoleucine 1551 with threonine.
Molecular consequence: missense variant.
Genome position (GRCh38, 1-based): chr2:54,646,261, T>C. VCF-style: chr2-54646261-T-C. GRCh37 (hg19) VCF-style: chr2-54873398-T-C.
Other names: c.4613T>C, p.Ile1538Thr (NM_178313.3); short protein forms I1538T, I1551T.
Identifiers: ClinVar variation 3233565 (VCV003233565.2), dbSNP rs1014202719, ClinGen allele CA47521729.